The following is an entry in ClinVar:

NM_001963.6(EGF):c.1354G>A (p.Val452Ile)

Gene: EGF (epidermal growth factor; plus strand). Cytogenetic location: 4q25.
Variant type: single nucleotide variant.
Coding change: c.1354G>A on transcript NM_001963.6 (MANE Select); coding-DNA position 1354, G replaced by A.
Protein change: p.Val452Ile; replaces valine 452 with isoleucine.
Molecular consequence: missense variant.
Genome position (GRCh38, 1-based): chr4:109,963,214, G>A. VCF-style: chr4-109963214-G-A. GRCh37 (hg19) VCF-style: chr4-110884370-G-A.
Other names: c.1354G>A, p.Val452Ile (NM_001178130.3); c.1228G>A, p.Val410Ile (NM_001178131.3, NM_001357021.2); short protein forms V452I, V410I.
Identifiers: ClinVar variation 1427951 (VCV001427951.7), dbSNP rs142751045, ClinGen allele CA3043660.

ClinVar aggregate classification (germline): Uncertain significance. Review status: criteria provided, multiple submitters, no conflicts (2 of 4 stars). 2 submissions from 2 submitters: Uncertain significance (2). Last evaluated 2025-06-12.

Conditions:
Renal hypomagnesemia 4. Also called: HYPOMAGNESEMIA, RENAL, NORMOCALCIURIC. Identifiers: Orphanet 34527, MedGen C2673648, MONDO:0012717, OMIM 611718.

Allele frequency attached by ClinVar (database versions not stated): gnomAD exomes 0.00004 and 0.00009; ESP Exome Variant Server 0.00008; ExAC 0.00012; gnomAD 0.00017 and 0.00019; TOPMed 0.00026; 1000 Genomes Project 0.00040; 1000 Genomes Project 30x 0.00062.
gnomAD v4.1: 97 of 1,613,988 alleles (0.006%); highest among the groups gnomAD compares: African/African-American, 0.076%; 1 homozygote.

Submissions (2):

Labcorp Genetics (formerly Invitae), Labcorp
Classification: Uncertain significance. Last evaluated: 2025-06-12. Review status: criteria provided, single submitter. Criteria: Invitae Variant Classification Sherloc (09022015). Collection method: clinical testing. Allele origin: germline.
Comment: This sequence change replaces valine, which is neutral and non-polar, with isoleucine, which is neutral and non-polar, at codon 452 of the EGF protein (p.Val452Ile). This variant is present in population databases (rs142751045, gnomAD 0.06%), and has an allele count higher than expected for a pathogenic variant. This variant has not been reported in the literature in individuals affected with EGF-related conditions. ClinVar contains an entry for this variant (Variation ID: 1427951). An algorithm developed to predict the effect of missense changes on protein structure and function outputs the following: PolyPhen-2: "Benign". The isoleucine amino acid residue is found in multiple mammalian species, which suggests that this missense change does not adversely affect protein function. In summary, the available evidence is currently insufficient to determine the role of this variant in disease. Therefore, it has been classified as a Variant of Uncertain Significance.

Fulgent Genetics
Classification: Uncertain significance for Renal hypomagnesemia 4. Last evaluated: 2022-04-01. Review status: criteria provided, single submitter. Criteria: ACMG Guidelines, 2015. Collection method: clinical testing. Allele origin: unknown.